The following is an entry in ClinVar:

ClinVar aggregate classification (germline): Pathogenic. Review status: criteria provided, multiple submitters, no conflicts (2 of 4 stars). 20 submissions from 20 submitters: Pathogenic (18). 2 of the submissions do not count toward it. Last evaluated 2026-02-26.

Conditions:
PTPN11-related disorder. Also called: PTPN11-Related Disorders.
Noonan syndrome and Noonan-related syndrome. Identifiers: Orphanet 98733, MedGen C5681679, MONDO:0020297.
Cardiovascular phenotype. Identifiers: MedGen CN230736.
RASopathy. Also called: rasopathies; Noonan spectrum disorder. Identifiers: Orphanet 536391, MedGen C5555857, MONDO:0021060.
Noonan syndrome (NS). Also called: Noonan's syndrome. Identifiers: Orphanet 648, MedGen C0028326, MeSH D009634, MONDO:0018997. Disease mechanism: gain of function.
Noonan syndrome 1 (NS1). Also called: FEMALE PSEUDO-TURNER SYNDROME; TURNER PHENOTYPE WITH NORMAL KARYOTYPE; PTPN11-Related Noonan Syndrome. Identifiers: Orphanet 648, MedGen C4551602, MONDO:0008104, OMIM 163950. Disease mechanism: gain of function.

gnomAD v4.1: 1 of 1,613,292 alleles (0.000062%); highest among the groups gnomAD compares: Non-Finnish European, 0.000085%; no homozygotes.

Submissions 1 to 10 of 20:

Ambry Genetics
Classification: Pathogenic for Cardiovascular phenotype. Last evaluated: 2026-02-26. Review status: criteria provided, single submitter. Criteria: Ambry Variant Classification Scheme 2023. Collection method: clinical testing. Allele origin: germline.
Comment: The p.G60A pathogenic mutation (also known as c.179G>C), located in coding exon 3 of the PTPN11 gene, results from a G to C substitution at nucleotide position 179. The glycine at codon 60 is replaced by alanine, an amino acid with similar properties. This variant was reported in individual(s) with features consistent with Noonan syndrome (Tartaglia M et al. Am. J. Hum. Genet., 2002 Jun;70:1555-63; Tartaglia M et al. Am. J. Hum. Genet., 2006 Feb;78:279-90; Bertola DR et al. Genet. Test., 2006;10:186-91; Jongmans MC et al. Eur. J. Hum. Genet., 2011 Aug;19:870-4; Atik T et al. Indian J Pediatr, 2016 Jun;83:517-21; Ambry internal data). This amino acid position is highly conserved in available vertebrate species. In addition, this variant is predicted to be deleterious by in silico analysis. This variant is considered to be rare based on population cohorts in the Genome Aggregation Database (gnomAD). Based on the supporting evidence, this variant is interpreted as a disease-causing mutation for PTPN11-related RASopathy; however, it is unlikely to be causative of metachondromatosis.

Labcorp Genetics (formerly Invitae), Labcorp
Classification: Pathogenic for RASopathy. Last evaluated: 2025-08-18. Review status: criteria provided, single submitter. Criteria: Invitae Variant Classification Sherloc (09022015). Collection method: clinical testing. Allele origin: germline.
Comment: This sequence change replaces glycine, which is neutral and non-polar, with alanine, which is neutral and non-polar, at codon 60 of the PTPN11 protein (p.Gly60Ala). This variant is not present in population databases (gnomAD no frequency). This missense change has been observed in individual(s) with Noonan syndrome (NS) (PMID: 11992261, 16643459, 17020470, 18328949, 24039098, 26817465). In at least one individual the variant was observed to be de novo. ClinVar contains an entry for this variant (Variation ID: 40493). Invitae Evidence Modeling incorporating data from in vitro experimental studies (internal data) indicates that this missense variant is expected to disrupt PTPN11 function with a positive predictive value of 95%. For these reasons, this variant has been classified as Pathogenic.

PreventionGenetics, part of Exact Sciences
Classification: Pathogenic for PTPN11-related condition. Last evaluated: 2025-06-10. Review status: criteria provided, single submitter. Criteria: ACMG Guidelines, 2015. Collection method: clinical testing. Allele origin: germline.
Comment: The PTPN11 c.179G>C variant is predicted to result in the amino acid substitution p.Gly60Ala. This variant has been reported in multiple individuals with Noonan syndrome (Tartaglia et al. 2002. PubMed ID: 11992261; Roti et al. 2006. PubMed ID: 16643459; Mutesa et al. 2008. PubMed ID: 18328949; Jongmans et al. 2011. PubMed ID: 21407260; Ross et al. 2014. PubMed ID: 24039098; van Trier et al. 2016. PubMed ID: 27521173) including a de novo occurrence (Roti et al. 2006. PubMed ID: 16643459). Additionally, one patient had acute lymphoblastic leukemia (Roti et al. 2006. PubMed ID: 16643459), while two others had tumors of the central nervous system (Mutesa et al. 2008. PubMed ID: 18328949; Jongmans et al. 2011. PubMed ID: 21407260). This variant has been interpreted as pathogenic by multiple labs in ClinVar. This variant has not been reported in a large population database (gnomAD), indicating this variant is rare. This variant is interpreted as pathogenic.

Blueprint Genetics
Classification: Pathogenic for PTPN11-related disorders. Last evaluated: 2024-09-05. Review status: criteria provided, single submitter. Criteria: ACMG Guidelines, 2015. Collection method: clinical testing. Allele origin: germline. Affected: yes. Observed: 2 variant alleles.

Greenwood Genetic Center Diagnostic Laboratories, Greenwood Genetic Center
Classification: Pathogenic for PTPN11-related disorder. Last evaluated: 2024-07-16. Review status: criteria provided, single submitter. Criteria: ACMG Guidelines, 2015. Collection method: clinical testing. Allele origin: germline. Affected: yes.
Comment: PS3, PM1, PM2, PM5, PM6_Strong, PP2

CeGaT Center for Human Genetics Tuebingen
Classification: Pathogenic. Last evaluated: 2024-06-01. Review status: criteria provided, single submitter. Criteria: CeGaT Center For Human Genetics Tuebingen Variant Classification Criteria Version 2. Collection method: clinical testing. Allele origin: germline. Affected: yes. Observed: 2 variant alleles.
Comment: PTPN11: PM1, PM2, PM5, PS4:Moderate, PP3, PS2:Supporting

Women's Health and Genetics/Laboratory Corporation of America, LabCorp
Classification: Pathogenic for RASopathy. Last evaluated: 2024-05-29. Review status: criteria provided, single submitter. Criteria: LabCorp Variant Classification Summary - May 2015. Collection method: clinical testing. Allele origin: germline.
Comment: Variant summary: PTPN11 c.179G>C (p.Gly60Ala) results in a non-conservative amino acid change located in the SH2 domain (IPR000980) of the encoded protein sequence. Five of five in-silico tools predict a damaging effect of the variant on protein function. The variant was absent in 251192 control chromosomes (gnomAD). c.179G>C has been reported in the literature in multiple individuals affected with Noonan Syndrome (e.g. Tartaglia_2002, 2006, Bertola_2006, Ferfeira_2007, Mutesa_2008). These data indicate that the variant is very likely to be associated with disease. A different variant affecting the same codon has been classified as pathogenic by our lab (c.178G>A, p.Gly60Ser), supporting the critical relevance of codon 60 to PTPN11 protein function. The following publications have been ascertained in the context of this evaluation (PMID: 15385933, 14644997, 12717436, 16358218, 17020470, 17546245, 18328949, 11992261, 25097206, 19047918, 19179468, 17972951, 15710330, 25395418, 27276561, 27069254, 32561839). ClinVar contains an entry for this variant (Variation ID: 40493). Based on the evidence outlined above, the variant was classified as pathogenic.

GeneDx
Classification: Pathogenic. Last evaluated: 2023-03-01. Review status: criteria provided, single submitter. Criteria: GeneDx Variant Classification Process June 2021. Collection method: clinical testing. Allele origin: germline. Affected: yes.
Comment: Reported in unrelated individuals with JMML in published literature (Loh et al., 2004; Kratz et al., 2005); Not observed in large population cohorts (gnomAD); In silico analysis supports that this missense variant has a deleterious effect on protein structure/function; The majority of missense variants in this gene are considered pathogenic (HGMD); This variant is associated with the following publications: (PMID: 21407260, 16643459, 17020470, 24803665, 29493581, 16053901, 9491886, 11992261, 8328949, 24039098, 18562489, 16263833, 14644997, 18328949, 27521173, 17053061, 26817465, 17546245, 30417923, 28607217, 28328117, 26918529, 31560489, 32164556, 15928039, 34643321, 33318624, 32737134)

3billion
Classification: Pathogenic for Noonan syndrome 1. Last evaluated: 2022-09-01. Review status: criteria provided, single submitter. Criteria: ACMG Guidelines, 2015. Collection method: clinical testing. Allele origin: germline. Affected: yes. Observed: 1 heterozygote.
Comment: The variant is not observed in the gnomAD v2.1.1 dataset. It is located in a mutational hot spot and/or well-established functional domain in which established pathogenic variants have been reported. Missense changes are a common disease-causing mechanism. In silico tool predictions suggest damaging effect of the variant on gene or gene product (REVEL: 0.91; 3Cnet: 0.98). Same nucleotide change resulting in same amino acid change (ClinVar ID: VCV000040493 ) and different missense changes at the same codon (p.Gly60Arg, p.Gly60Asp, p.Gly60Cys, p.Gly60Ser, p.Gly60Val/ ClinVar ID: VCV000040490, VCV000041442, VCV000055797, VCV000372590, VCV000987743) have been previously reported as pathogenic/likely pathogenic with strong evidence. Therefore, this variant is classified as Pathogenic according to the recommendation of ACMG/AMP guideline.

Revvity Omics, Revvity
Classification: Pathogenic. Last evaluated: 2022-04-20. Review status: criteria provided, single submitter. Criteria: ACMG Guidelines, 2015. Collection method: clinical testing. Allele origin: germline.

NM_002834.5(PTPN11):c.179G>C (p.Gly60Ala)

Gene: PTPN11 (protein tyrosine phosphatase non-receptor type 11; plus strand). Cytogenetic location: 12q24.13.
Variant type: single nucleotide variant.
Coding change: c.179G>C on transcript NM_002834.5 (MANE Select); coding-DNA position 179, G replaced by C.
Protein change: p.Gly60Ala; replaces glycine 60 with alanine.
Molecular consequence: missense variant.
Genome position (GRCh38, 1-based): chr12:112,450,359, G>C. VCF-style: chr12-112450359-G-C. GRCh37 (hg19) VCF-style: chr12-112888163-G-C.
Other names: c.179G>C, p.Gly60Ala (NM_001330437.2, NM_080601.3); c.176G>C, p.Gly59Ala (NM_001374625.1); short protein forms G60A, G59A.
Identifiers: ClinVar variation 40493 (VCV000040493.59), dbSNP rs397507509, ClinGen allele CA261562.